The following is an entry in ClinVar:

ClinVar aggregate classification (germline): Uncertain significance (1 of 4 stars; one submission).

Conditions:
SEMA3D-related disorder. Also called: SEMA3D-related condition.

Submission:

PreventionGenetics, part of Exact Sciences
Classification: Uncertain significance for SEMA3D-related condition. Last evaluated: 2025-08-15. Review status: criteria provided, single submitter. Criteria: ACMG Guidelines, 2015. Collection method: clinical testing. Allele origin: germline.
Comment: The SEMA3D c.734G>A variant is predicted to result in the amino acid substitution p.Gly245Glu. To our knowledge, this variant has not been reported in the literature or in a large population database (gnomAD), indicating this variant is rare. At this time, the clinical significance of this variant is uncertain due to the absence of conclusive functional and genetic evidence.

NM_001384900.1(SEMA3D):c.734G>A (p.Gly245Glu)

Gene: SEMA3D (semaphorin 3D; minus strand). Cytogenetic location: 7q21.11.
Variant type: single nucleotide variant.
Coding change: c.734G>A on transcript NM_001384900.1 (MANE Select); coding-DNA position 734, G replaced by A.
Protein change: p.Gly245Glu; replaces glycine 245 with glutamic acid.
Molecular consequence: missense variant.
Genome position (GRCh38, 1-based): chr7:85,055,844, C>T on the plus strand (G>A on the coding strand, the complement: SEMA3D is on the minus strand). VCF-style: chr7-85055844-C-T. GRCh37 (hg19) VCF-style: chr7-84685160-C-T.
Other names: c.734G>A, p.Gly245Glu (NM_001384901.1, NM_001384902.1, NM_001384903.1 and 1 more transcripts); short protein forms G245E.
Identifiers: ClinVar variation 4994294 (VCV004994294.1).